The following is an entry in ClinVar:

NM_181552.4(CUX1):c.2987G>A (p.Arg996Gln)

Gene: CUX1 (cut like homeobox 1; plus strand). Cytogenetic location: 7q22.1.
Variant type: single nucleotide variant.
Coding change: c.2987G>A on transcript NM_181552.4 (MANE Select); coding-DNA position 2987, G replaced by A.
Protein change: p.Arg996Gln; replaces arginine 996 with glutamine.
Molecular consequence: missense variant. On other transcripts: intron variant (5).
Genome position (GRCh38, 1-based): chr7:102,204,470, G>A. VCF-style: chr7-102204470-G-A. GRCh37 (hg19) VCF-style: chr7-101847750-G-A.
Other names: c.3020G>A, p.Arg1007Gln (NM_001202543.2); c.1255+8867G>A (NM_001913.5); c.1249+8867G>A (NM_181500.4); c.1117+8867G>A (NM_001202545.3); c.1207+8867G>A (NM_001202544.3); c.1138+8867G>A (NM_001202546.3); short protein forms R1007Q, R996Q.
Identifiers: ClinVar variation 2636677 (VCV002636677.2), dbSNP rs1554520537, ClinGen allele CA368687219.

ClinVar aggregate classification (germline): Uncertain significance (1 of 4 stars; one submission).

Conditions:
CUX1-related disorder. Also called: CUX1-related condition.

Allele frequency attached by ClinVar (database versions not stated): gnomAD exomes below 0.00001.
gnomAD v4.1: 2 of 1,613,842 alleles (0.00012%); highest among the groups gnomAD compares: Non-Finnish European, 0.00017%; no homozygotes.

Submission:

PreventionGenetics, part of Exact Sciences
Classification: Uncertain significance for CUX1-related condition. Last evaluated: 2025-04-23. Review status: criteria provided, single submitter. Criteria: ACMG Guidelines, 2015. Collection method: clinical testing. Allele origin: germline.
Comment: The CUX1 c.3020G>A variant is predicted to result in the amino acid substitution p.Arg1007Gln. To our knowledge, this variant has not been reported in the literature or in a large population database, indicating this variant is rare. At this time, the clinical significance of this variant is uncertain due to the absence of conclusive functional and genetic evidence.